The following is an entry in ClinVar:

NM_004006.3(DMD):c.10237_10247del (p.Ile3413fs)

Gene: DMD (dystrophin; minus strand). Cytogenetic location: Xp21.2.
Variant type: Deletion.
Coding change: c.10237_10247del on transcript NM_004006.3 (MANE Select); coding-DNA positions 10237 to 10247, 11 bases deleted (ATCAACTTCTG).
Protein change: p.Ile3413fs; shifts the reading frame from isoleucine 3413.
Molecular consequence: frameshift variant. On other transcripts: intron variant (5).
Genome position (GRCh38, 1-based): chrX:31,177,947-31,177,957, CAGAAGTTGAT deleted on the plus strand (ATCAACTTCTG on the coding strand, the reverse complement: DMD is on the minus strand); deleting any 11 consecutive bases within chrX:31,177,947-31,177,961 gives the same sequence; the c. name uses the placement nearest the transcript's 3' end. VCF-style (leftmost placement, unchanged base first): chrX-31177946-CCAGAAGTTGAT-C. GRCh37 (hg19) VCF-style: chrX-31196063-CCAGAAGTTGAT-C.
Other names: c.1033_1043del, p.Ile345fs (NM_004015.3, NM_004016.3); c.2857_2867del, p.Ile953fs (NM_004021.3, NM_004013.3); c.2843+712_2843+722del (NM_004023.3, NM_004020.4, NM_004022.3); c.1019+712_1019+722del (NM_004018.3, NM_004017.3); c.10213_10223del, p.Ile3405fs (NM_000109.4); c.10233_10243delTCTGATCAACT, p.Ile3413Alafs (NM_004006.2); c.10225_10235del, p.Ile3409fs (NM_004009.3); c.9868_9878del, p.Ile3290fs (NM_004010.3); and 3 more; short protein forms I2069fs, I2072fs, I3290fs, I3405fs, I3409fs, I3413fs, I345fs, I684fs.
Identifiers: ClinVar variation 4815296 (VCV004815296.1).

ClinVar aggregate classification (germline): Likely pathogenic (1 of 4 stars; one submission).

Conditions:
Becker muscular dystrophy, Cardiomyopathy, Duchenne muscular dystrophy, Dystrophin deficiency.

Submission:

Natera, Inc.
Classification: Likely pathogenic for Becker muscular dystrophy, Cardiomyopathy, Duchenne muscular dystrophy, Dystrophin deficiency. Last evaluated: 2025-09-05. Review status: criteria provided, single submitter. Criteria: Natera Variant Classification Schema (03/2026). Collection method: clinical testing. Allele origin: germline.
Comment: The c.10237_10247del variant in DMD is a frameshift variant predicted to shift the reading frame beginning at codon 3413 and leads to a stop codon 16 codons downstream. This variant is expected to result in nonsense mediated decay, truncation, or a dysfunctional protein product. This variant is rare in the general population with a frequency below the threshold expected for the associated phenotype(s). Given the available evidence, this variant is classified as Likely Pathogenic.